The following is an entry in ClinVar:

ClinVar aggregate classification (germline): Uncertain significance (1 of 4 stars; one submission).

Conditions:
Fanconi anemia complementation group O. Also called: RAD51C-Related Fanconi Anemia. Identifiers: Orphanet 84, MedGen C3150653, MONDO:0013248, OMIM 613390.

Submission:

Labcorp Genetics (formerly Invitae), Labcorp
Classification: Uncertain significance for Fanconi anemia complementation group O. Last evaluated: 2020-11-25. Review status: criteria provided, single submitter. Criteria: Invitae Variant Classification Sherloc (09022015). Collection method: clinical testing. Allele origin: germline.
Comment: In summary, the available evidence is currently insufficient to determine the role of this variant in disease. Therefore, it has been classified as a Variant of Uncertain Significance. Nucleotide substitutions within the consensus splice site are a relatively common cause of aberrant splicing (PMID: 17576681, 9536098). Algorithms developed to predict the effect of sequence changes on RNA splicing suggest that this variant may disrupt the consensus splice site, but this prediction has not been confirmed by published transcriptional studies. This variant has not been reported in the literature in individuals with RAD51C-related conditions. This variant is not present in population databases (ExAC no frequency). This sequence change falls in intron 2 of the RAD51C gene. It does not directly change the encoded amino acid sequence of the RAD51C protein. It affects a nucleotide within the consensus splice site of the intron.

Literature cited by the submitters: PubMed 17576681; PubMed 9536098.

NM_058216.3(RAD51C):c.405-3C>G

Gene: RAD51C (RAD51 paralog C; plus strand). Cytogenetic location: 17q22.
Variant type: single nucleotide variant.
Coding change: c.405-3C>G on transcript NM_058216.3 (MANE Select); 3 bases into the intron before coding-DNA position 405, C replaced by G.
Molecular consequence: intron variant.
Genome position (GRCh38, 1-based): chr17:58,696,690, C>G. VCF-style: chr17-58696690-C-G. GRCh37 (hg19) VCF-style: chr17-56774051-C-G.
Identifiers: ClinVar variation 1461244 (VCV001461244.6), dbSNP rs770815835, ClinGen allele CA2573154416.
Genomic context (GRCh38, chr17:58,696,690, plus strand): 5'-GTTCAAAAACACTACCTTAGATCATCATCATGATTTGGTTGTTTGTCATCTTTCTGTTGA[C>G]AGTATGCAGTTGGCAGTAGATGTGCAGATACCAGAATGTTTTGGAGGAGTGGCAGGTGAA-3'